The following is an entry in ClinVar:

NM_198253.3(TERT):c.1124C>G (p.Thr375Ser)

Gene: TERT (telomerase reverse transcriptase; minus strand). Cytogenetic location: 5p15.33.
Variant type: single nucleotide variant.
Coding change: c.1124C>G on transcript NM_198253.3 (MANE Select); coding-DNA position 1124, C replaced by G.
Protein change: p.Thr375Ser; replaces threonine 375 with serine.
Molecular consequence: missense variant. On other transcripts: non-coding transcript variant (2).
Genome position (GRCh38, 1-based): chr5:1,293,762, G>C on the plus strand (C>G on the coding strand, the complement: TERT is on the minus strand). VCF-style: chr5-1293762-G-C. GRCh37 (hg19) VCF-style: chr5-1293877-G-C.
Other names: c.1124C>G, p.Thr375Ser (NM_001193376.3, NM_003219.1); short protein forms T375S.
Identifiers: ClinVar variation 1798644 (VCV001798644.2), dbSNP rs1751160849, ClinGen allele CA359055422.

ClinVar aggregate classification (germline): Uncertain significance (1 of 4 stars; one submission).

Conditions:
Dyskeratosis congenita. Identifiers: Orphanet 1775, MedGen C0265965, MONDO:0015780.

Submission:

Ambry Genetics
Classification: Uncertain significance for Dyskeratosis congenita. Last evaluated: 2022-06-02. Review status: criteria provided, single submitter. Criteria: Ambry Variant Classification Scheme 2023. Collection method: clinical testing. Allele origin: germline.
Comment: The p.T375S variant (also known as c.1124C>G), located in coding exon 2 of the TERT gene, results from a C to G substitution at nucleotide position 1124. The threonine at codon 375 is replaced by serine, an amino acid with similar properties. This amino acid position is conserved. In addition, this alteration is predicted to be tolerated by in silico analysis. Since supporting evidence is limited at this time, the clinical significance of this alteration remains unclear.